The following is an entry in ClinVar:

ClinVar aggregate classification (germline): Uncertain significance. Review status: criteria provided, multiple submitters, no conflicts (2 of 4 stars). 2 submissions from 2 submitters: Uncertain significance (2). Last evaluated 2024-09-03.

Conditions:
Hereditary cancer-predisposing syndrome. Also called: Neoplastic Syndromes, Hereditary; Hereditary Cancer Syndrome; Tumor predisposition; Hereditary neoplastic syndrome. Identifiers: Orphanet 140162, MedGen C0027672, MeSH D009386, MONDO:0015356.
Gorlin syndrome. Also called: Nevoid Basal Cell Carcinoma Syndrome; Basal cell nevus syndrome. Identifiers: Orphanet 377, MedGen C0004779, MONDO:0007187.

Allele frequency attached by ClinVar (database versions not stated): ExAC 0.00001; gnomAD 0.00001.
gnomAD v4.1: 2 of 1,605,146 alleles (0.00012%); highest among the groups gnomAD compares: African/African-American, 0.0027%; no homozygotes.

Submissions (2):

Labcorp Genetics (formerly Invitae), Labcorp
Classification: Uncertain significance for Gorlin syndrome. Last evaluated: 2024-09-03. Review status: criteria provided, single submitter. Criteria: Invitae Variant Classification Sherloc (09022015). Collection method: clinical testing. Allele origin: germline.
Comment: This sequence change replaces leucine, which is neutral and non-polar, with proline, which is neutral and non-polar, at codon 39 of the PTCH1 protein (p.Leu39Pro). The frequency data for this variant in the population databases is considered unreliable, as metrics indicate poor data quality at this position in the gnomAD database. This variant has not been reported in the literature in individuals affected with PTCH1-related conditions. ClinVar contains an entry for this variant (Variation ID: 2053185). Invitae Evidence Modeling of protein sequence and biophysical properties (such as structural, functional, and spatial information, amino acid conservation, physicochemical variation, residue mobility, and thermodynamic stability) indicates that this missense variant is not expected to disrupt PTCH1 protein function with a negative predictive value of 95%. In summary, the available evidence is currently insufficient to determine the role of this variant in disease. Therefore, it has been classified as a Variant of Uncertain Significance.

Ambry Genetics
Classification: Uncertain significance for Hereditary cancer-predisposing syndrome. Last evaluated: 2023-02-13. Review status: criteria provided, single submitter. Criteria: Ambry Variant Classification Scheme 2023. Collection method: clinical testing. Allele origin: germline.
Comment: The p.L39P variant (also known as c.116T>C), located in coding exon 1 of the PTCH1 gene, results from a T to C substitution at nucleotide position 116. The leucine at codon 39 is replaced by proline, an amino acid with similar properties. This amino acid position is well conserved in available vertebrate species; however, proline is the reference amino acid in other vertebrate species. In addition, this alteration is predicted to be tolerated by in silico analysis. Since supporting evidence is limited at this time, the clinical significance of this alteration remains unclear.

NM_000264.5(PTCH1):c.116T>C (p.Leu39Pro)

Genes: PTCH1 (patched 1; minus strand), LOC130002133 (ATAC-STARR-seq lymphoblastoid silent region 20071; plus strand). Cytogenetic location: 9q22.32.
Variant type: single nucleotide variant.
Coding change: c.116T>C on transcript NM_000264.5 (MANE Select); coding-DNA position 116, T replaced by C.
Protein change: p.Leu39Pro; replaces leucine 39 with proline.
Molecular consequence: missense variant. On other transcripts: non-coding transcript variant (1), intron variant (3).
Genome position (GRCh38, 1-based): chr9:95,508,246, A>G on the plus strand (T>C on the coding strand, the complement: PTCH1 is on the minus strand). VCF-style: chr9-95508246-A-G. GRCh37 (hg19) VCF-style: chr9-98270528-A-G.
Other names: c.116T>C, p.Leu39Pro (NM_001354918.2); c.199-1647T>C (NM_001083603.3); c.4-1647T>C (NM_001083602.3, NM_001354919.2); short protein forms L39P.
Identifiers: ClinVar variation 2053185 (VCV002053185.6), dbSNP rs768063889, ClinGen allele CA5139044.
Genomic context (GRCh38, chr9:95,508,246, plus strand): 5'-GCGGCGTCGCAGTAGCTGGGCCGGTGCAGATAGTCCCGGTCCGGCGCGGCAGCACGGCGC[A>G]GCCCCCCCGTCCGTCTGCGCCTCCCGCCTCCAGCCGGCCGTCCCGGGGCACCGATACAGC-3'
Protein context (NP_000255.2, residues 29-49): GGGRRRRTGG[Leu39Pro]RRAAAPDRDY